The following is an entry in ClinVar:

ClinVar aggregate classification (germline): Pathogenic (1 of 4 stars; one submission).

Conditions:
Mucopolysaccharidosis, MPS-II (MPS2). Also called: Hunter Syndrome; IDURONATE 2-SULFATASE DEFICIENCY; Mucopolysaccharidosis Type II; Mucopolysaccharidosis type 2; Attenuated MPS (subtype; formerly known as mild MPS II); Severe MPS II. Identifiers: Orphanet 580, Orphanet 79388, MedGen C0026705, MONDO:0010674, OMIM 309900.

Submission:

Laboratory of Diagnosis and Therapy of Lysosomal Disorders, University of Padova
Classification: Pathogenic for Mucopolysaccharidosis, MPS-II. Last evaluated: 2024-06-07. Review status: criteria provided, single submitter. Criteria: ACMG Guidelines, 2015. Collection method: literature only. Allele origin: germline. Affected: yes. Observed: 1 variant allele.
Comment: De novo (PS2_Moderate), Absent from controls (or at low frequency) in gnomAD database (PM2_Moderate), Missense variant in a gene with a low rate of benign missense variation (PP2_Supporting), Multiple lines of computational evidence support a deleterious effect (PP3_Supporting), Patient’s phenotype or family history highly specific for the disease (PP4_Strong)

Classification method: ACMG Guidelines [PMID:25741868] with modifications

Literature cited by the submitters: PubMed 27246110.

NM_000202.8(IDS):c.329G>T (p.Arg110Met)

Gene: IDS (iduronate 2-sulfatase; minus strand). Cytogenetic location: Xq28.
Variant type: single nucleotide variant.
Coding change: c.329G>T on transcript NM_000202.8 (MANE Select); coding-DNA position 329, G replaced by T.
Protein change: p.Arg110Met; replaces arginine 110 with methionine.
Molecular consequence: missense variant. On other transcripts: non-coding transcript variant (1).
Genome position (GRCh38, 1-based): chrX:149,503,401, C>A on the plus strand (G>T on the coding strand, the complement: IDS is on the minus strand). VCF-style: chrX-149503401-C-A. GRCh37 (hg19) VCF-style: chrX-148584931-C-A.
Other names: c.59G>T, p.Arg20Met (NM_001166550.4); c.329G>T, p.Arg110Met (NM_006123.5); short protein forms R110M, R20M.
Identifiers: ClinVar variation 3255676 (VCV003255676.2).